The following is an entry in ClinVar:

NM_002907.4(RECQL):c.-5A>G

Gene: RECQL (RecQ like helicase; minus strand). Cytogenetic location: 12p12.1.
Variant type: single nucleotide variant.
Coding change: c.-5A>G on transcript NM_002907.4 (MANE Select); 5 bases upstream of the start codon, A replaced by G.
Molecular consequence: 5 prime UTR variant.
Genome position (GRCh38, 1-based): chr12:21,499,575, T>C on the plus strand (A>G on the coding strand, the complement: RECQL is on the minus strand). VCF-style: chr12-21499575-T-C. GRCh37 (hg19) VCF-style: chr12-21652509-T-C.
Other names: c.-5A>G (NM_032941.3).
Identifiers: ClinVar variation 1750978 (VCV001750978.2), dbSNP rs1943568269, ClinGen allele CA945497517.

ClinVar aggregate classification (germline): Uncertain significance (1 of 4 stars; one submission).

Allele frequency attached by ClinVar (database versions not stated): gnomAD 0.00001.

Submission:

Ambry Genetics
Classification: Uncertain significance. Last evaluated: 2021-11-24. Review status: criteria provided, single submitter. Criteria: Ambry Variant Classification Scheme 2023. Collection method: clinical testing. Allele origin: germline.
Comment: The c.-5A>G variant is located in the 5' untranslated region (5&rsquo; UTR) of the RECQL gene. This variant results from an A to G substitution 5 bases upstream from the first translated codon. This nucleotide position is poorly conserved in available vertebrate species. Since supporting evidence is limited at this time, the clinical significance of this alteration remains unclear.